The following is an entry in ClinVar:

NM_017934.7(PHIP):c.4630A>G (p.Ile1544Val)

Genes: IRAK1BP1 (interleukin 1 receptor associated kinase 1 binding protein 1; plus strand), PHIP (PHIP subunit of CUL4-Ring ligase complex; minus strand). Cytogenetic location: 6q14.1.
Variant type: single nucleotide variant.
Coding change: c.4630A>G on transcript NM_017934.7 (MANE Select); coding-DNA position 4630, A replaced by G.
Protein change: p.Ile1544Val; replaces isoleucine 1544 with valine.
Molecular consequence: missense variant.
Genome position (GRCh38, 1-based): chr6:78,946,001, T>C on the plus strand (A>G on the coding strand, the complement: PHIP is on the minus strand). VCF-style: chr6-78946001-T-C. GRCh37 (hg19) VCF-style: chr6-79655718-T-C.
Other names: c.4630A>G (NM_017934.6); short protein forms I1544V.
Identifiers: ClinVar variation 2656713 (VCV002656713.28), dbSNP rs201316256, ClinGen allele CA3899419.

ClinVar aggregate classification (germline): Benign/Likely benign. Review status: criteria provided, multiple submitters, no conflicts (2 of 4 stars). 3 submissions from 3 submitters: Benign (1); Likely benign (1). 1 of the submissions does not count toward it. Last evaluated 2025-04-01.

Conditions:
PHIP-related disorder. Also called: PHIP-related condition; PHIP-related disorders.

Allele frequency attached by ClinVar (database versions not stated): TOPMed 0.00002; ExAC 0.00027; gnomAD 0.00007; gnomAD exomes 0.00013; 1000 Genomes Project 30x 0.00016; 1000 Genomes Project 0.00020.
gnomAD v4.1: 199 of 1,600,268 alleles (0.012%); highest among the groups gnomAD compares: South Asian, 0.16%; 1 homozygote.

Submissions (3):

Labcorp Genetics (formerly Invitae), Labcorp
Classification: Likely benign. Last evaluated: 2025-04-01. Review status: criteria provided, single submitter. Criteria: Invitae Variant Classification Sherloc (09022015). Collection method: clinical testing. Allele origin: germline.

CeGaT Center for Human Genetics Tuebingen
Classification: Benign. Last evaluated: 2022-07-01. Review status: criteria provided, single submitter. Criteria: CeGaT Center For Human Genetics Tuebingen Variant Classification Criteria Version 2. Collection method: clinical testing. Allele origin: germline. Affected: yes. Observed: 1 variant allele.
Comment: PHIP: BS1, BS2

PreventionGenetics, part of Exact Sciences
Classification: Likely benign for PHIP-related condition. Last evaluated: 2022-02-28. Review status: no assertion criteria provided. Collection method: clinical testing. Allele origin: germline. Not counted in ClinVar's aggregate classification.
Comment: This variant is classified as likely benign based on ACMG/AMP sequence variant interpretation guidelines (Richards et al. 2015 PMID: 25741868, with internal and published modifications).